The following is an entry in ClinVar:

ClinVar aggregate classification (germline): Uncertain significance (1 of 4 stars; one submission).

Conditions:
Familial thoracic aortic aneurysm and aortic dissection (TAAD). Also called: Thoracic aortic aneurysms and dissections. Identifiers: Orphanet 91387, MedGen C4707243, MONDO:0019625.

Submission:

Labcorp Genetics (formerly Invitae), Labcorp
Classification: Uncertain significance for Familial thoracic aortic aneurysm and aortic dissection. Last evaluated: 2019-06-29. Review status: criteria provided, single submitter. Criteria: Invitae Variant Classification Sherloc (09022015). Collection method: clinical testing. Allele origin: germline.
Comment: This variant has not been reported in the literature in individuals with TGFBR2-related conditions. This sequence change replaces serine with proline at codon 409 of the TGFBR2 protein (p.Ser409Pro). The serine residue is highly conserved and there is a moderate physicochemical difference between serine and proline. This variant is not present in population databases (ExAC no frequency). Algorithms developed to predict the effect of missense changes on protein structure and function (SIFT, PolyPhen-2, Align-GVGD) all suggest that this variant is likely to be disruptive, but these predictions have not been confirmed by published functional studies and their clinical significance is uncertain. In summary, the available evidence is currently insufficient to determine the role of this variant in disease. Therefore, it has been classified as a Variant of Uncertain Significance.

NM_003242.6(TGFBR2):c.1225T>C (p.Ser409Pro)

Gene: TGFBR2 (transforming growth factor beta receptor 2; plus strand). Cytogenetic location: 3p24.1.
Variant type: single nucleotide variant.
Coding change: c.1225T>C on transcript NM_003242.6 (MANE Select); coding-DNA position 1225, T replaced by C.
Protein change: p.Ser409Pro; replaces serine 409 with proline.
Molecular consequence: missense variant.
Genome position (GRCh38, 1-based): chr3:30,672,408, T>C. VCF-style: chr3-30672408-T-C. GRCh37 (hg19) VCF-style: chr3-30713900-T-C.
Other names: c.1300T>C, p.Ser434Pro (NM_001024847.3); c.1408T>C, p.Ser470Pro (NM_001407126.1); c.1333T>C, p.Ser445Pro (NM_001407127.1); c.1252T>C, p.Ser418Pro (NM_001407128.1); c.1228T>C, p.Ser410Pro (NM_001407129.1); c.1225T>C, p.Ser409Pro (NM_001407130.1); c.1120T>C, p.Ser374Pro (NM_001407132.1, NM_001407133.1, NM_001407134.1 and 2 more transcripts); c.940T>C, p.Ser314Pro (NM_001407137.1); and 1 more; short protein forms S409P, S434P, S374P, S445P, S314P, S410P, S418P, S470P.
Identifiers: ClinVar variation 942748 (VCV000942748.7), dbSNP rs1699361055, ClinGen allele CA351808792.